The following is an entry in ClinVar:

NM_000487.6(ARSA):c.10G>A (p.Gly4Arg)

Gene: ARSA (arylsulfatase A; minus strand). Cytogenetic location: 22q13.33.
Variant type: single nucleotide variant.
Coding change: c.10G>A on transcript NM_000487.6 (MANE Select); coding-DNA position 10, G replaced by A.
Protein change: p.Gly4Arg; replaces glycine 4 with arginine.
Molecular consequence: missense variant. On other transcripts: intron variant (2).
Genome position (GRCh38, 1-based): chr22:50,627,770, C>T on the plus strand (G>A on the coding strand, the complement: ARSA is on the minus strand). VCF-style: chr22-50627770-C-T. GRCh37 (hg19) VCF-style: chr22-51066198-C-T.
Other names: c.10G>A, p.Gly4Arg (NM_001085425.3, NM_001085426.3, NM_001085427.3); c.-35+221G>A (NM_001362782.2); c.-35+176G>A (NM_001085428.3); short protein forms G4R.
Identifiers: ClinVar variation 2185322 (VCV002185322.2), dbSNP rs930477231, ClinGen allele CA412183888.

ClinVar aggregate classification (germline): Uncertain significance. Review status: criteria provided, multiple submitters, no conflicts (2 of 4 stars). 2 submissions from 2 submitters: Uncertain significance (2). Last evaluated 2021-08-27.

Conditions:
Metachromatic leukodystrophy (MLD). Also called: CEREBROSIDE SULFATASE DEFICIENCY; Cerebral sclerosis diffuse metachromatic form; ARSA DEFICIENCY; METACHROMATIC LEUKOENCEPHALOPATHY; Arylsulfatase A Deficiency; SULFATIDE LIPIDOSIS. Identifiers: Orphanet 512, MedGen C0023522, MONDO:0018868, OMIM 250100.

Submissions (2):

Labcorp Genetics (formerly Invitae), Labcorp
Classification: Uncertain significance for Metachromatic leukodystrophy. Last evaluated: 2021-08-27. Review status: criteria provided, single submitter. Criteria: Invitae Variant Classification Sherloc (09022015). Collection method: clinical testing. Allele origin: germline.
Comment: This sequence change replaces glycine with arginine at codon 4 of the ARSA protein (p.Gly4Arg). The glycine residue is weakly conserved and there is a moderate physicochemical difference between glycine and arginine. This variant is not present in population databases (ExAC no frequency). This variant has not been reported in the literature in individuals affected with ARSA-related conditions. Algorithms developed to predict the effect of missense changes on protein structure and function output the following: SIFT: "Tolerated"; PolyPhen-2: "Probably Damaging"; Align-GVGD: "Class C0". The arginine amino acid residue is found in multiple mammalian species, which suggests that this missense change does not adversely affect protein function. In summary, the available evidence is currently insufficient to determine the role of this variant in disease. Therefore, it has been classified as a Variant of Uncertain Significance.

Blueprint Genetics
Classification: Uncertain significance. Last evaluated: 2020-07-27. Review status: criteria provided, single submitter. Criteria: ACMG Guidelines, 2015. Collection method: clinical testing. Allele origin: germline.